The following is an entry in ClinVar:

NM_004204.5(PIGQ):c.52_70dup (p.Val24fs)

Gene: PIGQ (phosphatidylinositol glycan anchor biosynthesis class Q; plus strand). Cytogenetic location: 16p13.3.
Variant type: Duplication.
Coding change: c.52_70dup on transcript NM_004204.5 (MANE Select); coding-DNA positions 52 to 70, 19 bases duplicated (CTGCTGGTGGGACGGTGGG).
Protein change: p.Val24fs; shifts the reading frame from valine 24.
Molecular consequence: frameshift variant.
Genome position (GRCh38, 1-based): chr16:574,126-574,144, CTGCTGGTGGGACGGTGGG duplicated; duplicating any 19 consecutive bases within chr16:574,123-574,144 gives the same sequence; the c. name uses the placement nearest the transcript's 3' end. VCF-style (leftmost placement, unchanged base first): chr16-574122-C-CGGGCTGCTGGTGGGACGGT. GRCh37 (hg19) VCF-style: chr16-624122-C-CGGGCTGCTGGTGGGACGGT.
Other names: c.52_70dup, p.Val24fs (NM_148920.4); short protein forms V24fs.
Identifiers: ClinVar variation 1416208 (VCV001416208.6), dbSNP rs2151044127, ClinGen allele CA2573152123.

ClinVar aggregate classification (germline): Pathogenic (1 of 4 stars; one submission).

Conditions:
Epilepsy. Also called: Seizure disorder. Identifiers: MedGen C0014544, MeSH D004827, MONDO:0005027.

Submission:

Labcorp Genetics (formerly Invitae), Labcorp
Classification: Pathogenic for Epilepsy. Last evaluated: 2022-03-22. Review status: criteria provided, single submitter. Criteria: Invitae Variant Classification Sherloc (09022015). Collection method: clinical testing. Allele origin: germline.
Comment: This sequence change creates a premature translational stop signal (p.Val24Alafs*74) in the PIGQ gene. It is expected to result in an absent or disrupted protein product. Loss-of-function variants in PIGQ are known to be pathogenic (PMID: 24463883, 25558065). This variant is not present in population databases (gnomAD no frequency). This variant has not been reported in the literature in individuals affected with PIGQ-related conditions. Algorithms developed to predict the effect of sequence changes on RNA splicing suggest that this variant may create or strengthen a splice site. For these reasons, this variant has been classified as Pathogenic.

Literature cited by the submitters: PubMed 24463883; PubMed 25558065.